The following is an entry in ClinVar:

NM_001349338.3(FOXP1):c.205C>A (p.Leu69Ile)

Gene: FOXP1 (forkhead box P1; minus strand). Cytogenetic location: 3p13.
Variant type: single nucleotide variant.
Coding change: c.205C>A on transcript NM_001349338.3 (MANE Select); coding-DNA position 205, C replaced by A.
Protein change: p.Leu69Ile; replaces leucine 69 with isoleucine.
Molecular consequence: missense variant. On other transcripts: 5 prime UTR variant (5), non-coding transcript variant (2).
Genome position (GRCh38, 1-based): chr3:71,112,613, G>T on the plus strand (C>A on the coding strand, the complement: FOXP1 is on the minus strand). VCF-style: chr3-71112613-G-T. GRCh37 (hg19) VCF-style: chr3-71161764-G-T.
Other names: c.205C>A, p.Leu69Ile (NM_001244808.3, NM_001244810.2, NM_001244812.3 and 6 more transcripts); c.-96C>A (NM_001244815.2, NM_001349337.2, NM_001349342.3 and 2 more transcripts); short protein forms L69I.
Identifiers: ClinVar variation 2010349 (VCV002010349.4), dbSNP rs2546349165, ClinGen allele CA353563447.

ClinVar aggregate classification (germline): Uncertain significance (1 of 4 stars; one submission).

Submission:

Labcorp Genetics (formerly Invitae), Labcorp
Classification: Uncertain significance. Last evaluated: 2022-06-24. Review status: criteria provided, single submitter. Criteria: Invitae Variant Classification Sherloc (09022015). Collection method: clinical testing. Allele origin: germline.
Comment: In summary, the available evidence is currently insufficient to determine the role of this variant in disease. Therefore, it has been classified as a Variant of Uncertain Significance. This sequence change replaces leucine, which is neutral and non-polar, with isoleucine, which is neutral and non-polar, at codon 69 of the FOXP1 protein (p.Leu69Ile). This variant is not present in population databases (gnomAD no frequency). This variant has not been reported in the literature in individuals affected with FOXP1-related conditions. Algorithms developed to predict the effect of missense changes on protein structure and function are either unavailable or do not agree on the potential impact of this missense change (SIFT: "Deleterious"; PolyPhen-2: "Benign"; Align-GVGD: "Class C0").